The following is an entry in ClinVar:

ClinVar aggregate classification (germline): Conflicting classifications of pathogenicity. Review status: criteria provided, conflicting classifications (1 of 4 stars). 14 submissions from 14 submitters: Uncertain significance (9); Benign (1); Likely benign (2). 2 of the submissions do not count toward it. Last evaluated 2026-01-02.

Conditions:
Ovarian cancer. Also called: OVARIAN CANCER, SOMATIC. Identifiers: Orphanet 213500, MedGen C1140680, MONDO:0008170, OMIM 167000.
RAD50-related disorder. Also called: RAD50-related condition.
Nijmegen breakage syndrome-like disorder (NBSLD). Also called: MICROCEPHALY AND SPONTANEOUS CHROMOSOME INSTABILITY WITHOUT IMMUNODEFICIENCY; NBS-LIKE DISORDER; RAD50 DEFICIENCY. Identifiers: Orphanet 240760, MedGen C2751318, MONDO:0013118, OMIM 613078.
Familial cancer of breast. Also called: hereditary breast carcinoma; Hereditary breast cancer; BREAST CANCER, FAMILIAL. Identifiers: Orphanet 227535, MedGen C0346153, MONDO:0016419, OMIM 114480. Disease mechanism: loss of function.
Hereditary breast ovarian cancer syndrome. Also called: Hereditary breast and ovarian cancer syndrome; Hereditary breast and ovarian cancer syndrome (HBOC); Breast and ovarian cancer; BRCA1- and BRCA2-Associated Hereditary Breast and Ovarian Cancer; Hereditary breast and ovarian cancer; Hereditary breast and/or ovarian cancer syndrome. Identifiers: Orphanet 145, MedGen C0677776, MeSH D061325, MONDO:0003582. Disease mechanism: loss of function.
Hereditary cancer-predisposing syndrome. Also called: Tumor predisposition; Hereditary neoplastic syndrome; Neoplastic Syndromes, Hereditary; Hereditary Cancer Syndrome. Identifiers: Orphanet 140162, MedGen C0027672, MeSH D009386, MONDO:0015356.

Allele frequency attached by ClinVar (database versions not stated): ESP Exome Variant Server 0.00031; gnomAD exomes 0.00033 and 0.00046; 1000 Genomes Project 0.00040; ExAC 0.00040; TOPMed 0.00023; gnomAD 0.00026 and 0.00028; 1000 Genomes Project 30x 0.00031.
gnomAD v4.1: 535 of 1,613,590 alleles (0.033%); highest among the groups gnomAD compares: Middle Eastern, 0.082%; 1 homozygote.

Submissions 1 to 12 of 14:

Labcorp Genetics (formerly Invitae), Labcorp
Classification: Uncertain significance for Hereditary cancer-predisposing syndrome. Last evaluated: 2026-01-02. Review status: criteria provided, single submitter. Criteria: Invitae Variant Classification Sherloc (09022015). Collection method: clinical testing. Allele origin: germline.
Comment: This sequence change replaces arginine, which is basic and polar, with glutamine, which is neutral and polar, at codon 365 of the RAD50 protein (p.Arg365Gln). This variant is present in population databases (rs146370443, gnomAD 0.06%). This missense change has been observed in individual(s) with a personal and/or family history of breast and/or ovarian cancer (PMID: 24894818, 26689913, 30306255, 30441849, 35534704). ClinVar contains an entry for this variant (Variation ID: 127990). Invitae Evidence Modeling of protein sequence and biophysical properties (such as structural, functional, and spatial information, amino acid conservation, physicochemical variation, residue mobility, and thermodynamic stability) indicates that this missense variant is not expected to disrupt RAD50 protein function with a negative predictive value of 80%. In summary, the available evidence is currently insufficient to determine the role of this variant in disease. Therefore, it has been classified as a Variant of Uncertain Significance.

Quest Diagnostics Nichols Institute San Juan Capistrano
Classification: Uncertain significance. Last evaluated: 2025-08-20. Review status: criteria provided, single submitter. Criteria: Quest Diagnostics criteria. Collection method: clinical testing. Allele origin: unknown.
Comment: The RAD50 c.1094G>A (p.Arg365Gln) variant has been reported in individuals with breast and/or ovarian cancer (PMID: 24894818 (2014), 26689913 (2015), 28550065 (2017), 30306255 (2018), 30441849 (2018), 31159747 (2019), 32854451 (2020), 33471991 (2021), see also LOVD, 35534704 (2022), 38136308 (2023)), colorectal cancer (PMID: 33563768 (2022)), and reportedly unaffected individuals (PMID: 33471991 (2021), see also LOVD). The frequency of this variant in the general population (Genome Aggregation Database) is higher than would generally be expected for pathogenic variants in this gene. Analysis of this variant using bioinformatics tools for the prediction of the effect of amino acid changes on protein structure and function yielded predictions that this variant is benign. Based on the available information, we are unable to determine the clinical significance of this variant.

Women's Health and Genetics/Laboratory Corporation of America, LabCorp
Classification: Uncertain significance. Last evaluated: 2025-04-03. Review status: criteria provided, single submitter. Criteria: LabCorp Variant Classification Summary - May 2015. Collection method: clinical testing. Allele origin: germline.
Comment: Variant summary: RAD50 c.1094G>A (p.Arg365Gln) results in a conservative amino acid change in the encoded protein sequence. Five of five in-silico tools predict a benign effect of the variant on protein function. The variant allele was found at a frequency of 0.00046 in 251162 control chromosomes. This frequency is not significantly higher than estimated for a pathogenic variant in RAD50 causing Nijmegen Breakage Syndrome-Like Disorder (0.00046 vs 0.0024), allowing no conclusion about variant significance. c.1094G>A has been reported in the literature in individuals affected with Breast And Ovarian Cancer Syndrome as well as other types of cancer (example, Lu_2015, Bonache_2018, Damiola_2014, Koczkowska_2018, Parachoniak_2017, Tsaousis_2019, Young_2016). These report(s) do not provide unequivocal conclusions about association of the variant with Nijmegen Breakage Syndrome-Like Disorder. To our knowledge, no experimental evidence demonstrating an impact on protein function has been reported. The following publications have been ascertained in the context of this evaluation (PMID: 30306255, 24894818, 30441849, 26689913, 28550065, 31159747, 26787654). ClinVar contains an entry for this variant (Variation ID: 127990). Based on the evidence outlined above, the variant was classified as uncertain significance.

Blueprint Genetics
Classification: Likely benign. Last evaluated: 2024-11-18. Review status: criteria provided, single submitter. Criteria: ACMG Guidelines, 2015. Collection method: clinical testing. Allele origin: germline.

KCCC/NGS Laboratory, Kuwait Cancer Control Center
Classification: Uncertain significance for Familial cancer of breast. Last evaluated: 2023-07-06. Review status: criteria provided, single submitter. Criteria: ACMG Guidelines, 2015. Collection method: clinical testing. Allele origin: unknown. Inheritance: Autosomal dominant inheritance. Affected: yes. Observed: 1 heterozygote.
Comment: This sequence change replaces arginine, which is basic and polar, with glutamine, which is neutral and polar, at codon 365 of the RAD50 protein (p.Arg365Gln). This variant is present in population databases (rs146370443, gnomAD 0.06%). This missense change has been observed in individual(s) with a personal and/or family history of breast and/or ovarian cancer (PMID: 24894818, 26689913, 30306255, 30441849). ClinVar contains an entry for this variant (Variation ID: 127990). Algorithms developed to predict the effect of missense changes on protein structure and function output the following: SIFT: "Tolerated"; PolyPhen-2: "Benign". The glutamine amino acid residue is found in multiple mammalian species, which suggests that this missense change does not adversely affect protein function. In summary, the available evidence is currently insufficient to determine the role of this variant in disease. Therefore, it has been classified as a Variant of Uncertain Significance.

Laboratory of Molecular Epidemiology of Birth Defects, West China Second University Hospital, Sichuan University
Classification: Benign for Ovarian cancer. Last evaluated: 2022-01-01. Review status: criteria provided, single submitter. Criteria: ACMG Guidelines, 2015. Collection method: clinical testing. Allele origin: germline. Affected: yes.

Institute for Clinical Genetics, University Hospital TU Dresden, University Hospital TU Dresden
Classification: Uncertain significance. Last evaluated: 2021-11-03. Review status: criteria provided, single submitter. Criteria: ACMG Guidelines, 2015. Collection method: clinical testing. Allele origin: germline.

GeneDx
Classification: Uncertain significance. Last evaluated: 2021-05-17. Review status: criteria provided, single submitter. Criteria: GeneDx Variant Classification Process June 2021. Collection method: clinical testing. Allele origin: germline. Affected: yes.
Comment: In silico analysis supports that this missense variant does not alter protein structure/function; Observed in individuals with breast and ovarian cancer (Lu 2015, Fanale 2020); This variant is associated with the following publications: (PMID: 31159747, 32854451, 30441849, 26689913)

Cancer Genomics Group, Japanese Foundation For Cancer Research
Classification: Uncertain significance for Hereditary breast and ovarian cancer syndrome. Last evaluated: 2019-05-01. Review status: criteria provided, single submitter. Criteria: ACMG Guidelines, 2015. Collection method: research. Allele origin: germline. Affected: yes.

Ambry Genetics
Classification: Likely benign for Hereditary cancer-predisposing syndrome. Last evaluated: 2019-02-01. Review status: criteria provided, single submitter. Criteria: Ambry Variant Classification Scheme 2023. Collection method: clinical testing. Allele origin: germline.

GeneKor MSA
Classification: Uncertain significance for Hereditary cancer-predisposing syndrome. Last evaluated: 2018-08-01. Review status: criteria provided, single submitter. Criteria: ACMG Guidelines, 2015. Collection method: clinical testing. Allele origin: germline. Affected: yes.

Fulgent Genetics
Classification: Uncertain significance for Nijmegen breakage syndrome-like disorder. Last evaluated: 2017-05-23. Review status: criteria provided, single submitter. Criteria: ACMG Guidelines, 2015. Collection method: clinical testing. Allele origin: unknown.

NM_005732.4(RAD50):c.1094G>A (p.Arg365Gln)

Gene: RAD50 (RAD50 double strand break repair protein; plus strand). Cytogenetic location: 5q31.1.
Variant type: single nucleotide variant.
Coding change: c.1094G>A on transcript NM_005732.4 (MANE Select); coding-DNA position 1094, G replaced by A.
Protein change: p.Arg365Gln; replaces arginine 365 with glutamine.
Molecular consequence: missense variant.
Genome position (GRCh38, 1-based): chr5:132,588,729, G>A. VCF-style: chr5-132588729-G-A. GRCh37 (hg19) VCF-style: chr5-131924421-G-A.
Other names: p.R365Q:CGA>CAA; short protein forms R365Q.
Identifiers: ClinVar variation 127990 (VCV000127990.39), dbSNP rs146370443, ClinGen allele CA331855.
Genomic context (GRCh38, chr5:132,588,729, plus strand): 5'-AGATTTTTTTTTTAAAAGGTCGTCTACAGCTGCAAGCAGATCGCCATCAAGAACATATCC[G>A]AGCTAGAGATTCATTAATTCAGTCTTTGGCAACACAGCTAGAATTGGATGGCTTTGAGCG-3'
Protein context (NP_005723.2, residues 355-375): LQADRHQEHI[Arg365Gln]ARDSLIQSLA